The following is an entry in ClinVar:

ClinVar aggregate classification (germline): Uncertain significance. Review status: criteria provided, multiple submitters, no conflicts (2 of 4 stars). 2 submissions from 2 submitters: Uncertain significance (2). Last evaluated 2024-10-27.

Conditions:
Inborn genetic diseases. Identifiers: MedGen C0950123, MeSH D030342.
Developmental and epileptic encephalopathy, 1 (DEE1). Also called: X-linked infantile spasms; West's syndrome; Tonic spasms with clustering, arrest of psychomotor development and hypsarrhythmia on EEG; X-Linked Infantile Spasm Syndrome; OHTAHARA SYNDROME, X-LINKED; INFANTILE SPASM SYNDROME, X-LINKED 1. Identifiers: MedGen C3463992, MONDO:0010632, OMIM 308350. Disease mechanism: loss of function.
Autosomal dominant nonsyndromic hearing loss 65. Also called: TBC1D24-Related Autosomal Dominant Nonsyndromic Hearing Loss (DFNA); Deafness, autosomal dominant 65. Identifiers: Orphanet 90635, MedGen C3892048, MONDO:0014470, OMIM 616044.

Allele frequency attached by ClinVar (database versions not stated): gnomAD exomes below 0.00001; TOPMed below 0.00001.
gnomAD v4.1: 7 of 1,613,966 alleles (0.00043%); highest among the groups gnomAD compares: Middle Eastern, 0.033%; no homozygotes.

Submissions (2):

Labcorp Genetics (formerly Invitae), Labcorp
Classification: Uncertain significance for Developmental and epileptic encephalopathy, 1; Autosomal dominant nonsyndromic hearing loss 65. Last evaluated: 2024-10-27. Review status: criteria provided, single submitter. Criteria: Invitae Variant Classification Sherloc (09022015). Collection method: clinical testing. Allele origin: germline.
Comment: This sequence change replaces valine, which is neutral and non-polar, with methionine, which is neutral and non-polar, at codon 280 of the TBC1D24 protein (p.Val280Met). This variant is not present in population databases (gnomAD no frequency). This variant has not been reported in the literature in individuals affected with TBC1D24-related conditions. ClinVar contains an entry for this variant (Variation ID: 1345328). Invitae Evidence Modeling of protein sequence and biophysical properties (such as structural, functional, and spatial information, amino acid conservation, physicochemical variation, residue mobility, and thermodynamic stability) has been performed for this missense variant. However, the output from this modeling did not meet the statistical confidence thresholds required to predict the impact of this variant on TBC1D24 protein function. In summary, the available evidence is currently insufficient to determine the role of this variant in disease. Therefore, it has been classified as a Variant of Uncertain Significance.

Ambry Genetics
Classification: Uncertain significance for Inborn genetic diseases. Last evaluated: 2022-01-10. Review status: criteria provided, single submitter. Criteria: Ambry Variant Classification Scheme 2023. Collection method: clinical testing. Allele origin: germline.

NM_001199107.2(TBC1D24):c.838G>A (p.Val280Met)

Gene: TBC1D24 (TBC1 domain family member 24; plus strand). Cytogenetic location: 16p13.3.
Variant type: single nucleotide variant.
Coding change: c.838G>A on transcript NM_001199107.2 (MANE Select); coding-DNA position 838, G replaced by A.
Protein change: p.Val280Met; replaces valine 280 with methionine.
Molecular consequence: missense variant.
Genome position (GRCh38, 1-based): chr16:2,496,986, G>A. VCF-style: chr16-2496986-G-A. GRCh37 (hg19) VCF-style: chr16-2546987-G-A.
Other names: c.838G>A (NM_001199107.1); c.838G>A, p.Val280Met (NM_020705.3); short protein forms V280M.
Identifiers: ClinVar variation 1345328 (VCV001345328.7), dbSNP rs867618745, ClinGen allele CA276809637.